The following is an entry in ClinVar:

ClinVar aggregate classification (germline): Uncertain significance (1 of 4 stars; one submission).

Conditions:
Cardiovascular phenotype. Identifiers: MedGen CN230736.

Submission:

Ambry Genetics
Classification: Uncertain significance for Cardiovascular phenotype. Last evaluated: 2024-02-25. Review status: criteria provided, single submitter. Criteria: Ambry Variant Classification Scheme 2023. Collection method: clinical testing. Allele origin: germline.
Comment: The p.E239D variant (also known as c.717G>T), located in coding exon 6 of the CASQ2 gene, results from a G to T substitution at nucleotide position 717. The glutamic acid at codon 239 is replaced by aspartic acid, an amino acid with highly similar properties. This amino acid position is conserved. In addition, this alteration is predicted to be tolerated by in silico analysis. Based on the available evidence, the clinical significance of this alteration remains unclear.

NM_001232.4(CASQ2):c.717G>T (p.Glu239Asp)

Gene: CASQ2 (calsequestrin 2; minus strand). Cytogenetic location: 1p13.1.
Variant type: single nucleotide variant.
Coding change: c.717G>T on transcript NM_001232.4 (MANE Select); coding-DNA position 717, G replaced by T.
Protein change: p.Glu239Asp; replaces glutamic acid 239 with aspartic acid.
Molecular consequence: missense variant.
Genome position (GRCh38, 1-based): chr1:115,727,012, C>A on the plus strand (G>T on the coding strand, the complement: CASQ2 is on the minus strand). VCF-style: chr1-115727012-C-A. GRCh37 (hg19) VCF-style: chr1-116269633-C-A.
Other names: short protein forms E239D.
Identifiers: ClinVar variation 3221467 (VCV003221467.1), dbSNP rs757946855, ClinGen allele CA341768657.